The following is an entry in ClinVar:

NM_000348.4(SRD5A2):c.145G>A (p.Ala49Thr)

Gene: SRD5A2 (steroid 5 alpha-reductase 2; minus strand). Cytogenetic location: 2p23.1.
Variant type: single nucleotide variant.
Coding change: c.145G>A on transcript NM_000348.4 (MANE Select); coding-DNA position 145, G replaced by A.
Protein change: p.Ala49Thr; replaces alanine 49 with threonine.
Molecular consequence: missense variant.
Genome position (GRCh38, 1-based): chr2:31,580,756, C>T on the plus strand (G>A on the coding strand, the complement: SRD5A2 is on the minus strand). VCF-style: chr2-31580756-C-T. GRCh37 (hg19) VCF-style: chr2-31805826-C-T.
Other names: short protein forms A49T.
Identifiers: ClinVar variation 3347 (VCV000003347.17), dbSNP rs9282858, ClinGen allele CA116154.

ClinVar aggregate classification (germline): Conflicting classifications of pathogenicity. Review status: criteria provided, conflicting classifications (1 of 4 stars). 8 submissions from 8 submitters: Uncertain significance (1); Benign (4). 3 of the submissions do not count toward it. Last evaluated 2026-06-01.

Conditions:
SRD5A2-related disorder. Also called: SRD5A2-related condition.
3-Oxo-5 alpha-steroid delta 4-dehydrogenase deficiency (PPSH). Also called: 46,XY disorder of sex development due to 5-alpha-reductase 2 deficiency; PSEUDOVAGINAL PERINEOSCROTAL HYPOSPADIAS; FAMILIAL INCOMPLETE MALE PSEUDOHERMAPHRODITISM, TYPE 2; MALE PSEUDOHERMAPHRODITISM DUE TO 5-ALPHA-REDUCTASE DEFICIENCY. Identifiers: Orphanet 753, MedGen C0268297, MONDO:0009923, OMIM 264600. Disease mechanism: loss of function.
SRD5A2 POLYMORPHISM.

Allele frequency attached by ClinVar (database versions not stated): 1000 Genomes Project 0.00899; 1000 Genomes Project 30x 0.00937; ExAC 0.01712; gnomAD exomes 0.01753 and 0.03094; TOPMed 0.01988; gnomAD 0.01999 and 0.02117.
gnomAD v4.1: 47,927 of 1,610,538 alleles (3%); highest among the groups gnomAD compares: Non-Finnish European, 3.7%; 914 homozygotes.

Submissions (8):

PreventionGenetics, part of Exact Sciences
Classification: Uncertain significance for SRD5A2-related condition. Last evaluated: 2026-06-01. Review status: criteria provided, single submitter. Criteria: ACMG Guidelines, 2015. Collection method: clinical testing. Allele origin: germline.
Comment: The SRD5A2 c.145G>A variant is predicted to result in the amino acid substitution p.Ala49Thr. This variant has been reported in association with an increased risk of mild hypospadias (Rahimi et al. 2017. PubMed ID: 27848231; Silver and Russell. 1999. PubMed ID: 10458450; Thai et al. 2005. PubMed ID: 16174723). However, this variant is also reported in 2.8% of alleles in individuals of European (Non-Finnish) descent in gnomAD. Functional studies have reached opposite conclusions about this variant, where one study predicts gain-of-function and the other a loss-of-function for SRD5A2 (Makridakis et al. 2000. PubMed ID: 10898110; Katharopoulos et al. 2019. PubMed ID: 30703436). At this time, the clinical significance of this variant is uncertain due to the absence of conclusive functional and genetic evidence.

Labcorp Genetics (formerly Invitae), Labcorp
Classification: Benign for 3-Oxo-5 alpha-steroid delta 4-dehydrogenase deficiency. Last evaluated: 2026-02-02. Review status: criteria provided, single submitter. Criteria: Invitae Variant Classification Sherloc (09022015). Collection method: clinical testing. Allele origin: germline.

Molecular Genetics, Royal Melbourne Hospital
Classification: Benign for 3-Oxo-5 alpha-steroid delta 4-dehydrogenase deficiency. Last evaluated: 2023-05-04. Review status: criteria provided, single submitter. Criteria: ACMG Guidelines, 2015. Collection method: clinical testing. Allele origin: germline. Affected: no.
Comment: European Non-Finnish population allele frequency is 3.124%% (rs9282858, 3075/152258 alleles, 43 homozygotes in gnomAD v3.1). Based on the classification scheme RMH Modified ACMG/AMP Guidelines v1.5.1, this variant is classified as BENIGN. Following criteria are met: BA1

GeneDx
Classification: Benign. Last evaluated: 2015-03-03. Review status: criteria provided, single submitter. Criteria: GeneDx Variant Classification Process June 2021. Collection method: clinical testing. Allele origin: germline. Affected: yes.
Comment: This variant is associated with the following publications: (PMID: 31942420)

Breakthrough Genomics
Classification: Benign. Review status: criteria provided, single submitter. Criteria: ACMG Guidelines, 2015. Collection method: not provided. Allele origin: germline. Inheritance: Autosomal recessive inheritance. Affected: yes.

Clinical Molecular Genetics Laboratory, Johns Hopkins All Children's Hospital
Classification: Pathogenic for 3-Oxo-5 alpha-steroid delta 4-dehydrogenase deficiency. Last evaluated: 2011-05-23. Review status: no assertion criteria provided. Collection method: clinical testing. Allele origin: germline. Affected: yes. Not counted in ClinVar's aggregate classification.

OMIM
Classification: Benign for SRD5A2 POLYMORPHISM. Last evaluated: 2008-08-15. Review status: no assertion criteria provided. Collection method: literature only. Allele origin: germline. Not counted in ClinVar's aggregate classification.

University of Sydney Medical Foundation
No classification provided. Review status: no classification provided. Collection method: not provided. Allele origin: not provided. Not counted in ClinVar's aggregate classification.

Literature cited by the submitters: PubMed 10501358 (cited by OMIM); PubMed 14560315 (cited by OMIM); PubMed 18469342 (cited by OMIM).